The following is an entry in ClinVar:

ClinVar aggregate classification (germline): Likely benign (1 of 4 stars; one submission).

Allele frequency attached by ClinVar (database versions not stated): gnomAD exomes 0.00014; gnomAD 0.00015; TOPMed 0.00016; ExAC 0.00017; ESP Exome Variant Server 0.00023.
gnomAD v4.1: 224 of 1,614,036 alleles (0.014%); highest among the groups gnomAD compares: Non-Finnish European, 0.018%; no homozygotes.

Submission:

CeGaT Center for Human Genetics Tuebingen
Classification: Likely benign. Last evaluated: 2022-10-01. Review status: criteria provided, single submitter. Criteria: CeGaT Center For Human Genetics Tuebingen Variant Classification Criteria Version 2. Collection method: clinical testing. Allele origin: germline. Affected: yes. Observed: 1 variant allele.
Comment: LARP1: BP4, BP7

NM_033551.3(LARP1):c.921A>G (p.Gln307=)

Gene: LARP1 (La ribonucleoprotein 1, translational regulator; plus strand). Cytogenetic location: 5q33.2.
Variant type: single nucleotide variant.
Coding change: c.921A>G on transcript NM_033551.3 (MANE Select); coding-DNA position 921, A replaced by G.
Protein change: p.Gln307=; no amino-acid change (glutamine 307 retained).
Molecular consequence: synonymous variant. On other transcripts: intron variant (1).
Genome position (GRCh38, 1-based): chr5:154,793,852, A>G. VCF-style: chr5-154793852-A-G. GRCh37 (hg19) VCF-style: chr5-154173412-A-G.
Other names: c.306A>G, p.Gln102= (NM_001367713.1, NM_001367714.1, NM_001367716.1 and 1 more transcripts); c.690A>G, p.Gln230= (NM_001367717.1, NM_015315.6); c.921A>G, p.Gln307= (NM_001367718.1); c.253+129A>G (NM_001367715.1).
Identifiers: ClinVar variation 2655975 (VCV002655975.24), dbSNP rs137864333, ClinGen allele CA3526979.